The following is an entry in ClinVar:

NM_173651.4(FSIP2):c.1703A>T (p.Tyr568Phe)

Genes: FSIP2 (fibrous sheath interacting protein 2; plus strand), FSIP2-AS1 (FSIP2 antisense RNA 1; minus strand). Cytogenetic location: 2q32.1.
Variant type: single nucleotide variant.
Coding change: c.1703A>T on transcript NM_173651.4 (MANE Select); coding-DNA position 1703, A replaced by T.
Protein change: p.Tyr568Phe; replaces tyrosine 568 with phenylalanine.
Molecular consequence: missense variant. On other transcripts: non-coding transcript variant (2).
Genome position (GRCh38, 1-based): chr2:185,788,839, A>T. VCF-style: chr2-185788839-A-T. GRCh37 (hg19) VCF-style: chr2-186653566-A-T.
Other names: c.1970A>T (NM_173651.2); short protein forms Y568F.
Identifiers: ClinVar variation 3024569 (VCV003024569.24), dbSNP rs111265848, ClinGen allele CA2016547.

ClinVar aggregate classification (germline): Conflicting classifications of pathogenicity. Review status: criteria provided, conflicting classifications (1 of 4 stars). 3 submissions from 3 submitters: Uncertain significance (1); Likely benign (2). Last evaluated 2024-11-21.

Allele frequency attached by ClinVar (database versions not stated): 1000 Genomes Project 30x 0.00016; ExAC 0.00103.
gnomAD v4.1: 1,162 of 1,534,654 alleles (0.076%); highest among the groups gnomAD compares: Non-Finnish European, 0.072%; 7 homozygotes.

Submissions (3):

Blueprint Genetics
Classification: Likely benign. Last evaluated: 2024-11-21. Review status: criteria provided, single submitter. Criteria: ACMG Guidelines, 2015. Collection method: clinical testing. Allele origin: germline.

CeGaT Center for Human Genetics Tuebingen
Classification: Likely benign. Last evaluated: 2024-03-01. Review status: criteria provided, single submitter. Criteria: CeGaT Center For Human Genetics Tuebingen Variant Classification Criteria Version 2. Collection method: clinical testing. Allele origin: germline. Affected: yes. Observed: 2 variant alleles.
Comment: FSIP2: BP4

Ambry Genetics
Classification: Uncertain significance. Last evaluated: 2021-09-01. Review status: criteria provided, single submitter. Criteria: Ambry Variant Classification Scheme 2023. Collection method: clinical testing. Allele origin: germline.